The following is an entry in ClinVar:

ClinVar aggregate classification (germline): Uncertain significance (1 of 4 stars; one submission).

Conditions:
Respiratory papillomatosis, juvenile recurrent, congenital. Identifiers: MedGen C5394112, MONDO:0032925, OMIM 618803.

Allele frequency attached by ClinVar (database versions not stated): gnomAD exomes below 0.00001; ExAC 0.00001; TOPMed 0.00001.
gnomAD v4.1: 5 of 1,598,644 alleles (0.00031%); highest among the groups gnomAD compares: Admixed American, 0.0017%; no homozygotes.

Submission:

Laboratorio de Genetica e Diagnostico Molecular, Hospital Israelita Albert Einstein
Classification: Uncertain significance for Respiratory papillomatosis, juvenile recurrent, congenital. Last evaluated: 2022-12-02. Review status: criteria provided, single submitter. Criteria: ACMG Guidelines, 2015. Collection method: clinical testing. Allele origin: germline. Affected: yes.
Comment: ACMG classification criteria: PM2 supporting

NM_033004.4(NLRP1):c.2961-3C>T

Gene: NLRP1 (NLR family pyrin domain containing 1; minus strand). Cytogenetic location: 17p13.2.
Variant type: single nucleotide variant.
Coding change: c.2961-3C>T on transcript NM_033004.4 (MANE Select); 3 bases into the intron before coding-DNA position 2961, C replaced by T.
Molecular consequence: intron variant.
Genome position (GRCh38, 1-based): chr17:5,533,991, G>A on the plus strand (C>T on the coding strand, the complement: NLRP1 is on the minus strand). VCF-style: chr17-5533991-G-A. GRCh37 (hg19) VCF-style: chr17-5437311-G-A.
Other names: c.2961-3C>T (NM_001033053.3, NM_014922.5); c.2871-3C>T (NM_033007.4, NM_033006.4).
Identifiers: ClinVar variation 2431668 (VCV002431668.2), dbSNP rs758290019, ClinGen allele CA8326978.